The following is an entry in ClinVar:

ClinVar aggregate classification (germline): Uncertain significance. Review status: criteria provided, multiple submitters, no conflicts (2 of 4 stars). 2 submissions from 2 submitters: Uncertain significance (2). Last evaluated 2023-10-26.

Conditions:
Rhabdoid tumor predisposition syndrome 2 (RTPS2). Identifiers: Orphanet 231108, Orphanet 69077, MedGen C2750074, MONDO:0013224, OMIM 613325.

Submissions (2):

Baylor Genetics
Classification: Uncertain significance for Rhabdoid tumor predisposition syndrome 2. Last evaluated: 2023-10-26. Review status: criteria provided, single submitter. Criteria: ACMG Guidelines, 2015. Collection method: clinical testing. Allele origin: unknown.

Labcorp Genetics (formerly Invitae), Labcorp
Classification: Uncertain significance for Rhabdoid tumor predisposition syndrome 2. Last evaluated: 2022-05-10. Review status: criteria provided, single submitter. Criteria: Invitae Variant Classification Sherloc (09022015). Collection method: clinical testing. Allele origin: germline.
Comment: In summary, the available evidence is currently insufficient to determine the role of this variant in disease. Therefore, it has been classified as a Variant of Uncertain Significance. Algorithms developed to predict the effect of missense changes on protein structure and function are either unavailable or do not agree on the potential impact of this missense change (SIFT: "Deleterious"; PolyPhen-2: "Possibly Damaging"; Align-GVGD: "Class C15"). This variant has not been reported in the literature in individuals affected with SMARCA4-related conditions. This variant is not present in population databases (gnomAD no frequency). This sequence change replaces proline, which is neutral and non-polar, with histidine, which is basic and polar, at codon 680 of the SMARCA4 protein (p.Pro680His).

NM_003072.5(SMARCA4):c.2039C>A (p.Pro680His)

Gene: SMARCA4 (SWI/SNF related BAF chromatin remodeling complex subunit ATPase 4; plus strand). Cytogenetic location: 19p13.2.
Variant type: single nucleotide variant.
Coding change: c.2039C>A on transcript NM_003072.5 (MANE Select); coding-DNA position 2039, C replaced by A.
Protein change: p.Pro680His; replaces proline 680 with histidine.
Molecular consequence: missense variant. On other transcripts: non-coding transcript variant (1).
Genome position (GRCh38, 1-based): chr19:11,007,939, C>A. VCF-style: chr19-11007939-C-A. GRCh37 (hg19) VCF-style: chr19-11118615-C-A.
Other names: c.2039C>A, p.Pro680His (NM_001128844.3, NM_001128845.2, NM_001128846.2 and 6 more transcripts); short protein forms P680H.
Identifiers: ClinVar variation 1992721 (VCV001992721.5), dbSNP rs1600167712, ClinGen allele CA404052445.
Genomic context (GRCh38, chr19:11,007,939, plus strand): 5'-GACATGGGCTTGTCTCTTGGTAGGAGGAGGAGGAAGAGCAGCCGCAGGCAGCACAGCCTC[C>A]CACCCTGCCCGTGGAGGAGAAGAAGAAGATTCCAGATCCAGACAGCGATGACGTCTCTGA-3'
Protein context (NP_003063.2, residues 670-690): EEEQPQAAQP[Pro680His]TLPVEEKKKI